The following is an entry in ClinVar:

NM_003052.5(SLC34A1):c.90del (p.Tyr31fs)

Gene: SLC34A1 (solute carrier family 34 member 1; plus strand). Cytogenetic location: 5q35.3.
Variant type: Deletion.
Coding change: c.90del on transcript NM_003052.5 (MANE Select); coding-DNA position 90, one base deleted (C; older notation c.90delC).
Protein change: p.Tyr31fs; shifts the reading frame from tyrosine 31.
Molecular consequence: frameshift variant.
Genome position (GRCh38, 1-based): chr5:177,385,831, C deleted; the last of 2 consecutive C bases (chr5:177,385,830-177,385,831); deleting either gives the same sequence. VCF-style (leftmost placement, unchanged base first): chr5-177385829-GC-G. GRCh37 (hg19) VCF-style: chr5-176812830-GC-G.
Other names: c.90del, p.Tyr31fs (NM_001167579.2); short protein forms Y31fs.
Identifiers: ClinVar variation 3619252 (VCV003619252.2).

ClinVar aggregate classification (germline): Pathogenic (1 of 4 stars; one submission).

Submission:

Labcorp Genetics (formerly Invitae), Labcorp
Classification: Pathogenic. Last evaluated: 2024-02-08. Review status: criteria provided, single submitter. Criteria: Invitae Variant Classification Sherloc (09022015). Collection method: clinical testing. Allele origin: germline.
Comment: This sequence change creates a premature translational stop signal (p.Tyr31Thrfs*76) in the SLC34A1 gene. It is expected to result in an absent or disrupted protein product. Loss-of-function variants in SLC34A1 are known to be pathogenic (PMID: 26047794). This variant is not present in population databases (gnomAD no frequency). This variant has not been reported in the literature in individuals affected with SLC34A1-related conditions. For these reasons, this variant has been classified as Pathogenic.

Literature cited by the submitters: PubMed 26047794.